The following is an entry in ClinVar:

NM_017763.6(RNF43):c.2086G>A (p.Ala696Thr)

Gene: RNF43 (ring finger protein 43; minus strand). Cytogenetic location: 17q22.
Variant type: single nucleotide variant.
Coding change: c.2086G>A on transcript NM_017763.6 (MANE Select); coding-DNA position 2086, G replaced by A.
Protein change: p.Ala696Thr; replaces alanine 696 with threonine.
Molecular consequence: missense variant.
Genome position (GRCh38, 1-based): chr17:58,357,690, C>T on the plus strand (G>A on the coding strand, the complement: RNF43 is on the minus strand). VCF-style: chr17-58357690-C-T. GRCh37 (hg19) VCF-style: chr17-56435051-C-T.
Other names: c.2086G>A (NM_017763.4); c.2086G>A, p.Ala696Thr (NM_001305544.3); c.1705G>A, p.Ala569Thr (NM_001305545.2); short protein forms A569T, A696T.
Identifiers: ClinVar variation 3240368 (VCV003240368.4), dbSNP rs756922792.
Genomic context (GRCh38, chr17:58,357,690, plus strand): 5'-CTGGGGTTTCTGGTAGCAGCCTCTTGTCCAGGCCTGGAGGTCCACAGATCAAGGGGTGTG[C>T]CTCTGGGGACCAAGGATATGCCACACTGGGGGTGTAATGGGGAAAAATCTGGCAAGCTGG-3'
Protein context (NP_060233.3, residues 686-706): PSVAYPWSPE[Ala696Thr]HPLICGPPGL

ClinVar aggregate classification (germline): Uncertain significance. Review status: criteria provided, multiple submitters, no conflicts (2 of 4 stars). 3 submissions from 3 submitters: Uncertain significance (3). Last evaluated 2025-02-03.

Conditions:
Sessile serrated polyposis cancer syndrome (SSPCS). Identifiers: Orphanet 157798, MedGen C4310714, MONDO:0014919, OMIM 617108.

Allele frequency attached by ClinVar (database versions not stated): gnomAD exomes below 0.00001; TOPMed below 0.00001; ExAC 0.00001; gnomAD 0.00001.
gnomAD v4.1: 4 of 1,611,510 alleles (0.00025%); highest among the groups gnomAD compares: Non-Finnish European, 0.00034%; no homozygotes.

Submissions (3):

Ambry Genetics
Classification: Uncertain significance. Last evaluated: 2025-02-03. Review status: criteria provided, single submitter. Criteria: Ambry Variant Classification Scheme 2023. Collection method: clinical testing. Allele origin: germline.
Comment: The p.A696T variant (also known as c.2086G>A), located in coding exon 8 of the RNF43 gene, results from a G to A substitution at nucleotide position 2086. The alanine at codon 696 is replaced by threonine, an amino acid with similar properties. This amino acid position is conserved. In addition, this alteration is predicted to be tolerated by in silico analysis. Based on the available evidence, the clinical significance of this variant remains unclear.

Labcorp Genetics (formerly Invitae), Labcorp
Classification: Uncertain significance. Last evaluated: 2024-07-17. Review status: criteria provided, single submitter. Criteria: Invitae Variant Classification Sherloc (09022015). Collection method: clinical testing. Allele origin: germline.
Comment: This sequence change replaces alanine, which is neutral and non-polar, with threonine, which is neutral and polar, at codon 696 of the RNF43 protein (p.Ala696Thr). This variant is present in population databases (rs756922792, gnomAD 0.0009%). This variant has not been reported in the literature in individuals affected with RNF43-related conditions. An algorithm developed to predict the effect of missense changes on protein structure and function outputs the following: PolyPhen-2: "Benign". The threonine amino acid residue is found in multiple mammalian species, which suggests that this missense change does not adversely affect protein function. In summary, the available evidence is currently insufficient to determine the role of this variant in disease. Therefore, it has been classified as a Variant of Uncertain Significance.

Baylor Genetics
Classification: Uncertain significance for Sessile serrated polyposis cancer syndrome. Last evaluated: 2024-01-09. Review status: criteria provided, single submitter. Criteria: ACMG Guidelines, 2015. Collection method: clinical testing. Allele origin: unknown.